The following is an entry in ClinVar:

ClinVar aggregate classification (germline): Conflicting classifications of pathogenicity. Review status: criteria provided, conflicting classifications (1 of 4 stars). 3 submissions from 3 submitters: Uncertain significance (2); Likely benign (1). Last evaluated 2024-04-25.

Conditions:
Spermatogenic failure 72 (SPGF72). Identifiers: MedGen C5676980, MONDO:0030809, OMIM 619867.
Cranioectodermal dysplasia 4 (CED4). Identifiers: Orphanet 1515, MedGen C3280616, MONDO:0013719, OMIM 614378.
Senior-Loken syndrome 8 (SLSN8). Identifiers: Orphanet 3156, MedGen C4225376, MONDO:0014579, OMIM 616307.
Asphyxiating thoracic dystrophy 5 (SRTD5). Also called: SHORT-RIB THORACIC DYSPLASIA 5 WITHOUT POLYDACTYLY; SHORT-RIB THORACIC DYSPLASIA 5 WITH OR WITHOUT POLYDACTYLY. Identifiers: Orphanet 474, MedGen C3280598, MONDO:0013717, OMIM 614376.
Nephronophthisis 13 (NPHP13). Identifiers: Orphanet 655, MedGen C3280612, MONDO:0013718, OMIM 614377.
Inborn genetic diseases. Identifiers: MedGen C0950123, MeSH D030342.

Allele frequency attached by ClinVar (database versions not stated): gnomAD 0.00001 and 0.00003; gnomAD exomes 0.00003 and 0.00008; TOPMed 0.00005; ExAC 0.00009.
gnomAD v4.1: 40 of 1,558,328 alleles (0.0026%); highest among the groups gnomAD compares: East Asian, 0.056%; no homozygotes.

Submissions (3):

Fulgent Genetics
Classification: Uncertain significance for Asphyxiating thoracic dystrophy 5; Nephronophthisis 13; Cranioectodermal dysplasia 4; Senior-Loken syndrome 8; Spermatogenic failure 72. Last evaluated: 2024-04-25. Review status: criteria provided, single submitter. Criteria: ACMG Guidelines, 2015. Collection method: clinical testing. Allele origin: germline.

Ambry Genetics
Classification: Likely benign for Inborn genetic diseases. Last evaluated: 2023-10-20. Review status: criteria provided, single submitter. Criteria: Ambry Variant Classification Scheme 2023. Collection method: clinical testing. Allele origin: germline.

Labcorp Genetics (formerly Invitae), Labcorp
Classification: Uncertain significance for Senior-Loken syndrome 8; Asphyxiating thoracic dystrophy 5. Last evaluated: 2022-09-19. Review status: criteria provided, single submitter. Criteria: Invitae Variant Classification Sherloc (09022015). Collection method: clinical testing. Allele origin: germline.
Comment: This sequence change affects codon 416 of the WDR19 mRNA. It is a 'silent' change, meaning that it does not change the encoded amino acid sequence of the WDR19 protein. It affects a nucleotide within the consensus splice site. This variant is present in population databases (rs772867899, gnomAD 0.08%). This variant has not been reported in the literature in individuals affected with WDR19-related conditions. ClinVar contains an entry for this variant (Variation ID: 348732). Algorithms developed to predict the effect of sequence changes on RNA splicing suggest that this variant is not likely to affect RNA splicing. In summary, the available evidence is currently insufficient to determine the role of this variant in disease. Therefore, it has been classified as a Variant of Uncertain Significance.

NM_025132.4(WDR19):c.1248T>C (p.Asn416=)

Gene: WDR19 (WD repeat domain 19; plus strand). Cytogenetic location: 4p14.
Variant type: single nucleotide variant.
Coding change: c.1248T>C on transcript NM_025132.4 (MANE Select); coding-DNA position 1248, T replaced by C.
Protein change: p.Asn416=; no amino-acid change (asparagine 416 retained).
Molecular consequence: synonymous variant.
Genome position (GRCh38, 1-based): chr4:39,216,209, T>C. VCF-style: chr4-39216209-T-C. GRCh37 (hg19) VCF-style: chr4-39217829-T-C.
Other names: c.768T>C, p.Asn256= (NM_001317924.2).
Identifiers: ClinVar variation 348732 (VCV000348732.10), dbSNP rs772867899, ClinGen allele CA2891800.
Genomic context (GRCh38, chr4:39,216,209, plus strand): 5'-TCTTTATCATCTGGCTGTAGGAATGAATAATCGAGCTTGGTTTTATGTCCTTGGAGAAAA[T>C]GGCAAGTCTAAATCCAGTTGTTTATTCTTATCTAGCACATAATTTCTGTTCTTATTTGGG-3'
Protein context (NP_079408.3, residues 406-426): NRAWFYVLGE[Asn416=]AVKKLKDMEY